The following is an entry in ClinVar:

NM_019892.6(INPP5E):c.931C>T (p.Gln311Ter)

Gene: INPP5E (inositol polyphosphate-5-phosphatase E; minus strand). Cytogenetic location: 9q34.3.
Variant type: single nucleotide variant.
Coding change: c.931C>T on transcript NM_019892.6 (MANE Select); coding-DNA position 931, C replaced by T.
Protein change: p.Gln311Ter; replaces glutamine 311 with a stop codon.
Molecular consequence: nonsense.
Genome position (GRCh38, 1-based): chr9:136,434,745, G>A on the plus strand (C>T on the coding strand, the complement: INPP5E is on the minus strand). VCF-style: chr9-136434745-G-A. GRCh37 (hg19) VCF-style: chr9-139329197-G-A.
Other names: c.931C>T, p.Gln311Ter (NM_001318502.2); short protein forms Q311*.
Identifiers: ClinVar variation 2158999 (VCV002158999.4), dbSNP rs2131611242, ClinGen allele CA375565612.

ClinVar aggregate classification (germline): Pathogenic (1 of 4 stars; one submission).

Conditions:
Joubert syndrome. Also called: CEREBELLOPARENCHYMAL DISORDER IV; JOUBERT-BOLTSHAUSER SYNDROME; Familial aplasia of the vermis. Identifiers: Orphanet 475, MedGen C5979921, MONDO:0018772.

Allele frequency attached by ClinVar (database versions not stated): gnomAD exomes below 0.00001.

Submission:

Labcorp Genetics (formerly Invitae), Labcorp
Classification: Pathogenic for Joubert syndrome. Last evaluated: 2021-12-23. Review status: criteria provided, single submitter. Criteria: Invitae Variant Classification Sherloc (09022015). Collection method: clinical testing. Allele origin: germline.
Comment: This variant is not present in population databases (gnomAD no frequency). This sequence change creates a premature translational stop signal (p.Gln311*) in the INPP5E gene. It is expected to result in an absent or disrupted protein product. Loss-of-function variants in INPP5E are known to be pathogenic (PMID: 19668216, 23034536, 23386033, 28125082). This variant has not been reported in the literature in individuals affected with INPP5E-related conditions. For these reasons, this variant has been classified as Pathogenic.

Literature cited by the submitters: PubMed 19668216; PubMed 23034536; PubMed 23386033; PubMed 28125082.